The following is an entry in ClinVar:

NM_003743.5(NCOA1):c.684G>A (p.Gln228=)

Gene: NCOA1 (nuclear receptor coactivator 1; plus strand). Cytogenetic location: 2p23.3.
Variant type: single nucleotide variant.
Coding change: c.684G>A on transcript NM_003743.5 (MANE Select); coding-DNA position 684, G replaced by A.
Protein change: p.Gln228=; no amino-acid change (glutamine 228 retained).
Molecular consequence: synonymous variant.
Genome position (GRCh38, 1-based): chr2:24,691,632, G>A. VCF-style: chr2-24691632-G-A. GRCh37 (hg19) VCF-style: chr2-24914501-G-A.
Other names: c.684G>A, p.Gln228= (NM_001362950.1, NM_001362952.1, NM_001362954.1 and 3 more transcripts).
Identifiers: ClinVar variation 4995794 (VCV004995794.1).

ClinVar aggregate classification (germline): Likely benign (1 of 4 stars; one submission).

Conditions:
NCOA1-related disorder. Also called: NCOA1-related condition.

gnomAD v4.1: 1 of 1,613,992 alleles (0.000062%); no homozygotes.

Submission:

PreventionGenetics, part of Exact Sciences
Classification: Likely benign for NCOA1-related condition. Last evaluated: 2025-09-08. Review status: criteria provided, single submitter. Criteria: ACMG Guidelines, 2015. Collection method: clinical testing. Allele origin: germline.
Comment: This variant is classified as likely benign based on ACMG/AMP sequence variant interpretation guidelines (Richards et al. 2015 PMID: 25741868, with internal and published modifications).